The following is an entry in ClinVar:

NM_001145026.2(PTPRQ):c.1540+5G>A

Gene: PTPRQ (protein tyrosine phosphatase receptor type Q; plus strand). Cytogenetic location: 12q21.31.
Variant type: single nucleotide variant.
Coding change: c.1540+5G>A on transcript NM_001145026.2 (MANE Select); 5 bases into the intron after coding-DNA position 1540, G replaced by A.
Molecular consequence: intron variant.
Genome position (GRCh38, 1-based): chr12:80,493,460, G>A. VCF-style: chr12-80493460-G-A. GRCh37 (hg19) VCF-style: chr12-80887239-G-A.
Identifiers: ClinVar variation 3377242 (VCV003377242.1).
Genomic context (GRCh38, chr12:80,493,460, plus strand): 5'-TCCAGATAAAAACTTTCCTGCAAGGAATAGAGCTGAAGACCAGACTTCACCAGTTGGTAG[G>A]TAGAATTTTGATTTTCTATAAAGTTCATTTAAACCACCAGTGCTAGCTAGCACAGAAATG-3'

ClinVar aggregate classification (germline): Uncertain significance (1 of 4 stars; one submission).

Conditions:
Autosomal recessive nonsyndromic hearing loss 84A. Also called: DEAFNESS, AUTOSOMAL RECESSIVE 84A; DEAFNESS, AUTOSOMAL RECESSIVE 84A, WITH VESTIBULAR DYSFUNCTION. Identifiers: Orphanet 90636, MedGen C3150654, MONDO:0013249, OMIM 613391.

gnomAD v4.1: 2 of 1,545,444 alleles (0.00013%); highest among the groups gnomAD compares: Non-Finnish European, 0.00017%; no homozygotes.

Submission:

Victorian Clinical Genetics Services, Murdoch Childrens Research Institute
Classification: Uncertain significance for Autosomal recessive nonsyndromic hearing loss 84A. Last evaluated: 2024-10-10. Review status: criteria provided, single submitter. Criteria: ACMG Guidelines, 2015. Collection method: clinical testing. Allele origin: germline. Inheritance: Autosomal recessive inheritance. Affected: yes.
Comment: Based on the classification scheme VCGS_Germline_v1.3.5, this variant is classified as VUS-3A. Following criteria are met: 0102 - Loss of function is a known mechanism of disease in this gene and is associated with autosomal recessive deafness 84A (MIM#613391). Dominant-negative is the postulated mechanism for autosomal dominant deafness 73 (MIM#617663) (PMID: 31655630). (I) 0108 - This gene is associated with both recessive and dominant disease. (I) 0115 - Variants in this gene are known to have variable expressivity. Intra-familial variability has been reported (PMID: 31655630). (I) 0212 - Non-canonical splice site variant without proven consequence on splicing (no functional evidence available). (SP) 0251 - This variant is heterozygous. (I) 0304 - Variant is present in gnomAD (v4) <0.01 (2 heterozygotes, 0 homozygotes). (SP) 0505 - Abnormal splicing is predicted by in silico tools and affected nucleotide is highly conserved. (SP) 0705 - No comparable splice site variants have previous evidence for pathogenicity. (I) 0807 - This variant has no previous evidence of pathogenicity. (I) 0905 - No published segregation evidence has been identified for this variant. (I) 1007 - No published functional evidence has been identified for this variant. (I) Legend: (SP) - Supporting pathogenic, (I) - Information, (SB) - Supporting benign

Literature cited by the submitters: PubMed 31655630.